The following is an entry in ClinVar:

NM_000051.4(ATM):c.846A>T (p.Leu282Phe)

Gene: ATM (ATM serine/threonine kinase; plus strand). Cytogenetic location: 11q22.3.
Variant type: single nucleotide variant.
Coding change: c.846A>T on transcript NM_000051.4 (MANE Select); coding-DNA position 846, A replaced by T.
Protein change: p.Leu282Phe; replaces leucine 282 with phenylalanine.
Molecular consequence: missense variant.
Genome position (GRCh38, 1-based): chr11:108,244,971, A>T. VCF-style: chr11-108244971-A-T. GRCh37 (hg19) VCF-style: chr11-108115698-A-T.
Other names: c.846A>T, p.Leu282Phe (NM_001351834.2); c.846A>T (NM_000051.2); short protein forms L282F.
Identifiers: ClinVar variation 481079 (VCV000481079.17), dbSNP rs754008850, ClinGen allele CA6264684.

ClinVar aggregate classification (germline): Conflicting classifications of pathogenicity. Review status: criteria provided, conflicting classifications (1 of 4 stars). 6 submissions from 6 submitters: Uncertain significance (2); Likely benign (3). 1 of the submissions does not count toward it. Last evaluated 2025-12-09.

Conditions:
Hereditary cancer-predisposing syndrome. Also called: Hereditary neoplastic syndrome; Neoplastic Syndromes, Hereditary; Tumor predisposition; Hereditary Cancer Syndrome. Identifiers: Orphanet 140162, MedGen C0027672, MeSH D009386, MONDO:0015356.
Familial cancer of breast. Also called: BREAST CANCER, FAMILIAL; Hereditary breast cancer; hereditary breast carcinoma. Identifiers: Orphanet 227535, MedGen C0346153, MONDO:0016419, OMIM 114480. Disease mechanism: loss of function.
Ataxia-telangiectasia syndrome (AT). Also called: LOUIS-BAR SYNDROME; Cerebello-oculocutaneous telangiectasia; Immunodeficiency with ataxia telangiectasia; AT, COMPLEMENTATION GROUP C; Ataxia-telangiectasia, complementation group D; ATAXIA-TELANGIECTASIA, COMPLEMENTATION GROUP A. Identifiers: Orphanet 100, MedGen C0004135, MONDO:0008840, OMIM 208900.

Allele frequency attached by ClinVar (database versions not stated): gnomAD below 0.00001 and 0.00001; gnomAD exomes 0.00002 and 0.00005; ExAC 0.00006.
gnomAD v4.1: 27 of 1,612,844 alleles (0.0017%); highest among the groups gnomAD compares: South Asian, 0.029%; 3 homozygotes.

Submissions (6):

Labcorp Genetics (formerly Invitae), Labcorp
Classification: Likely benign for Ataxia-telangiectasia syndrome. Last evaluated: 2025-12-09. Review status: criteria provided, single submitter. Criteria: Invitae Variant Classification Sherloc (09022015). Collection method: clinical testing. Allele origin: germline.

Color Diagnostics, LLC DBA Color Health
Classification: Likely benign for Hereditary cancer-predisposing syndrome. Last evaluated: 2025-04-08. Review status: criteria provided, single submitter. Criteria: ACMG Guidelines, 2015. Collection method: clinical testing. Allele origin: germline.

Ambry Genetics
Classification: Likely benign for Hereditary cancer-predisposing syndrome. Last evaluated: 2024-03-16. Review status: criteria provided, single submitter. Criteria: Ambry Variant Classification Scheme 2023. Collection method: clinical testing. Allele origin: germline.

GeneDx
Classification: Uncertain significance. Last evaluated: 2023-03-14. Review status: criteria provided, single submitter. Criteria: GeneDx Variant Classification Process June 2021. Collection method: clinical testing. Allele origin: germline. Affected: yes.
Comment: In silico analysis supports that this missense variant does not alter protein structure/function; This variant is associated with the following publications: (PMID: 29470806, 28779002)

Department of Pathology and Laboratory Medicine, Sinai Health System
Classification: Uncertain significance for Familial cancer of breast. Last evaluated: 2023-01-18. Review status: criteria provided, single submitter. Criteria: ACMG Guidelines, 2015. Collection method: clinical testing. Allele origin: germline. Affected: yes.

Natera, Inc.
Classification: Uncertain significance for Ataxia-telangiectasia. Last evaluated: 2020-09-16. Review status: no assertion criteria provided. Collection method: clinical testing. Allele origin: germline. Not counted in ClinVar's aggregate classification.

Literature cited by the submitters: PubMed 28779002 (cited by Ambry Genetics and Department of Pathology and Laboratory Medicine, Sinai Health System); PubMed 29470806 (cited by Ambry Genetics and Department of Pathology and Laboratory Medicine, Sinai Health System).